The following is an entry in ClinVar:

ClinVar aggregate classification (germline): Uncertain significance (1 of 4 stars; one submission).

gnomAD v4.1: 1 of 1,581,814 alleles (0.000063%); no homozygotes.

Submission:

GeneDx
Classification: Uncertain significance. Last evaluated: 2024-03-26. Review status: criteria provided, single submitter. Criteria: GeneDx Variant Classification Process June 2021. Collection method: clinical testing. Allele origin: germline. Affected: yes.
Comment: Not observed at significant frequency in large population cohorts (gnomAD); In silico analysis supports that this missense variant has a deleterious effect on protein structure/function; Has not been previously published as pathogenic or benign to our knowledge

NM_138422.4(ADAT3):c.238T>C (p.Ser80Pro)

Genes: ADAT3 (adenosine deaminase tRNA specific 3; plus strand), SCAMP4 (secretory carrier membrane protein 4; plus strand). Cytogenetic location: 19p13.3.
Variant type: single nucleotide variant.
Coding change: c.238T>C on transcript NM_138422.4 (MANE Select); coding-DNA position 238, T replaced by C.
Protein change: p.Ser80Pro; replaces serine 80 with proline.
Molecular consequence: missense variant. On other transcripts: intron variant (3).
Genome position (GRCh38, 1-based): chr19:1,912,285, T>C. VCF-style: chr19-1912285-T-C. GRCh37 (hg19) VCF-style: chr19-1912284-T-C.
Other names: c.190T>C, p.Ser64Pro (NM_001329533.2); c.-41-2694T>C (NM_079834.4, NM_001329540.2); c.-125-5409T>C (NM_001329539.2); short protein forms S64P, S80P.
Identifiers: ClinVar variation 3342308 (VCV003342308.1).